The following is an entry in ClinVar:

ClinVar aggregate classification (germline): Uncertain significance (1 of 4 stars; one submission).

Submission:

CeGaT Center for Human Genetics Tuebingen
Classification: Uncertain significance. Last evaluated: 2026-07-01. Review status: criteria provided, single submitter. Criteria: CeGaT Center For Human Genetics Tuebingen Variant Classification Criteria Version 2. Collection method: clinical testing. Allele origin: germline. Affected: yes. Observed: 1 variant allele.
Comment: PHYH: PM2, PM3:Supporting, PP4

NM_006214.4(PHYH):c.514C>G (p.His172Asp)

Gene: PHYH (phytanoyl-CoA 2-hydroxylase; minus strand). Cytogenetic location: 10p13.
Variant type: single nucleotide variant.
Coding change: c.514C>G on transcript NM_006214.4 (MANE Select); coding-DNA position 514, C replaced by G.
Protein change: p.His172Asp; replaces histidine 172 with aspartic acid.
Molecular consequence: missense variant. On other transcripts: intron variant (1).
Genome position (GRCh38, 1-based): chr10:13,288,524, G>C on the plus strand (C>G on the coding strand, the complement: PHYH is on the minus strand). VCF-style: chr10-13288524-G-C. GRCh37 (hg19) VCF-style: chr10-13330524-G-C.
Other names: c.214C>G, p.His72Asp (NM_001037537.2, NM_001323080.2); c.520C>G, p.His174Asp (NM_001323082.2); c.220C>G, p.His74Asp (NM_001323084.2); c.415-4685C>G (NM_001323083.2); short protein forms H172D, H174D, H72D, H74D.
Identifiers: ClinVar variation 5039668 (VCV005039668.1).